The following is an entry in ClinVar:

ClinVar aggregate classification (germline): Uncertain significance (1 of 4 stars; one submission).

Allele frequency attached by ClinVar (database versions not stated): gnomAD exomes 0.00006; TOPMed 0.00008; gnomAD 0.00009; ExAC 0.00012; ESP Exome Variant Server 0.00015.
gnomAD v4.1: 99 of 1,613,328 alleles (0.0061%); highest among the groups gnomAD compares: Admixed American, 0.0033%; no homozygotes.

Submission:

Labcorp Genetics (formerly Invitae), Labcorp
Classification: Uncertain significance. Last evaluated: 2023-11-07. Review status: criteria provided, single submitter. Criteria: Invitae Variant Classification Sherloc (09022015). Collection method: clinical testing. Allele origin: germline.
Comment: This sequence change replaces threonine, which is neutral and polar, with isoleucine, which is neutral and non-polar, at codon 232 of the SGPL1 protein (p.Thr232Ile). This variant is present in population databases (rs201880207, gnomAD 0.2%). This variant has not been reported in the literature in individuals affected with SGPL1-related conditions. ClinVar contains an entry for this variant (Variation ID: 2187986). Advanced modeling of protein sequence and biophysical properties (such as structural, functional, and spatial information, amino acid conservation, physicochemical variation, residue mobility, and thermodynamic stability) performed at Invitae indicates that this missense variant is not expected to disrupt SGPL1 protein function with a negative predictive value of 80%. In summary, the available evidence is currently insufficient to determine the role of this variant in disease. Therefore, it has been classified as a Variant of Uncertain Significance.

NM_003901.4(SGPL1):c.695C>T (p.Thr232Ile)

Gene: SGPL1 (sphingosine-1-phosphate lyase 1; plus strand). Cytogenetic location: 10q22.1.
Variant type: single nucleotide variant.
Coding change: c.695C>T on transcript NM_003901.4 (MANE Select); coding-DNA position 695, C replaced by T.
Protein change: p.Thr232Ile; replaces threonine 232 with isoleucine.
Molecular consequence: missense variant.
Genome position (GRCh38, 1-based): chr10:70,868,424, C>T. VCF-style: chr10-70868424-C-T. GRCh37 (hg19) VCF-style: chr10-72628181-C-T.
Other names: short protein forms T232I.
Identifiers: ClinVar variation 2187986 (VCV002187986.2), dbSNP rs201880207, ClinGen allele CA5541262.